The following is an entry in ClinVar:

NM_000264.5(PTCH1):c.1811A>G (p.Glu604Gly)

Genes: PTCH1 (patched 1; minus strand), LOC100507346 (uncharacterized LOC100507346; plus strand). Cytogenetic location: 9q22.32.
Variant type: single nucleotide variant.
Coding change: c.1811A>G on transcript NM_000264.5 (MANE Select); coding-DNA position 1811, A replaced by G.
Protein change: p.Glu604Gly; replaces glutamic acid 604 with glycine.
Molecular consequence: missense variant. On other transcripts: non-coding transcript variant (2).
Genome position (GRCh38, 1-based): chr9:95,469,849, T>C on the plus strand (A>G on the coding strand, the complement: PTCH1 is on the minus strand). VCF-style: chr9-95469849-T-C. GRCh37 (hg19) VCF-style: chr9-98232131-T-C.
Other names: c.1613A>G, p.Glu538Gly (NM_001083602.3); c.1808A>G, p.Glu603Gly (NM_001083603.3); c.1358A>G, p.Glu453Gly (NM_001083604.3, NM_001083605.3, NM_001083606.3 and 1 more transcripts); c.1655A>G, p.Glu552Gly (NM_001354918.2); short protein forms E538G, E552G, E604G, E453G, E603G.
Identifiers: ClinVar variation 1361408 (VCV001361408.8), dbSNP rs756951491, ClinGen allele CA374116297.

ClinVar aggregate classification (germline): Uncertain significance (1 of 4 stars; one submission).

Conditions:
Gorlin syndrome. Also called: Basal cell nevus syndrome; Nevoid Basal Cell Carcinoma Syndrome. Identifiers: Orphanet 377, MedGen C0004779, MONDO:0007187.

Submission:

Labcorp Genetics (formerly Invitae), Labcorp
Classification: Uncertain significance for Gorlin syndrome. Last evaluated: 2021-06-15. Review status: criteria provided, single submitter. Criteria: Invitae Variant Classification Sherloc (09022015). Collection method: clinical testing. Allele origin: germline.
Comment: This sequence change replaces glutamic acid with glycine at codon 604 of the PTCH1 protein (p.Glu604Gly). The glutamic acid residue is moderately conserved and there is a moderate physicochemical difference between glutamic acid and glycine. This variant is not present in population databases (ExAC no frequency). This variant has not been reported in the literature in individuals with PTCH1-related conditions. Advanced modeling of protein sequence and biophysical properties (such as structural, functional, and spatial information, amino acid conservation, physicochemical variation, residue mobility, and thermodynamic stability) performed at Invitae indicates that this missense variant is not expected to disrupt PTCH1 protein function. In summary, the available evidence is currently insufficient to determine the role of this variant in disease. Therefore, it has been classified as a Variant of Uncertain Significance.